The following is an entry in ClinVar:

NM_000393.5(COL5A2):c.260C>T (p.Thr87Met)

Gene: COL5A2 (collagen type V alpha 2 chain; minus strand). Cytogenetic location: 2q32.2.
Variant type: single nucleotide variant.
Coding change: c.260C>T on transcript NM_000393.5 (MANE Select); coding-DNA position 260, C replaced by T.
Protein change: p.Thr87Met; replaces threonine 87 with methionine.
Molecular consequence: missense variant.
Genome position (GRCh38, 1-based): chr2:189,110,287, G>A on the plus strand (C>T on the coding strand, the complement: COL5A2 is on the minus strand). VCF-style: chr2-189110287-G-A. GRCh37 (hg19) VCF-style: chr2-189975013-G-A.
Other names: short protein forms T87M.
Identifiers: ClinVar variation 658598 (VCV000658598.11), dbSNP rs778591411, ClinGen allele CA2023169.

ClinVar aggregate classification (germline): Conflicting classifications of pathogenicity. Review status: criteria provided, conflicting classifications (1 of 4 stars). 2 submissions from 2 submitters: Uncertain significance (1); Likely benign (1). Last evaluated 2025-12-16.

Conditions:
Ehlers-Danlos syndrome, classic type, 1 (EDSCL1). Also called: EDS I; EHLERS-DANLOS SYNDROME, GRAVIS TYPE; EHLERS-DANLOS SYNDROME, SEVERE CLASSIC TYPE; Ehlers-Danlos Syndrome, Classic Type, COL5A1-Related; Ehlers-Danlos syndrome, type 1. Identifiers: MedGen C0268335, MONDO:0019567, OMIM 130000.
Familial thoracic aortic aneurysm and aortic dissection (TAAD). Also called: Thoracic aortic aneurysms and dissections. Identifiers: Orphanet 91387, MedGen C4707243, MONDO:0019625.

Allele frequency attached by ClinVar (database versions not stated): gnomAD exomes 0.00001; gnomAD 0.00001 and 0.00002; TOPMed below 0.00001; ExAC 0.00001.
gnomAD v4.1: 27 of 1,613,928 alleles (0.0017%); highest among the groups gnomAD compares: South Asian, 0.0066%; no homozygotes.

Submissions (2):

Ambry Genetics
Classification: Uncertain significance for Familial thoracic aortic aneurysm and aortic dissection. Last evaluated: 2025-12-16. Review status: criteria provided, single submitter. Criteria: Ambry Variant Classification Scheme 2023. Collection method: clinical testing. Allele origin: germline.
Comment: The p.T87M variant (also known as c.260C>T), located in coding exon 2 of the COL5A2 gene, results from a C to T substitution at nucleotide position 260. The threonine at codon 87 is replaced by methionine, an amino acid with similar properties. This amino acid position is conserved. In addition, this alteration is predicted to be tolerated by in silico analysis. Based on the available evidence, the clinical significance of this variant remains unclear.

Labcorp Genetics (formerly Invitae), Labcorp
Classification: Likely benign for Ehlers-Danlos syndrome, classic type, 1. Last evaluated: 2025-04-07. Review status: criteria provided, single submitter. Criteria: Invitae Variant Classification Sherloc (09022015). Collection method: clinical testing. Allele origin: germline.